The following is an entry in ClinVar:

ClinVar aggregate classification (germline): Uncertain significance (1 of 4 stars; one submission).

Conditions:
Leber congenital amaurosis 4 (LCA4). Identifiers: MedGen C1858386, MONDO:0011458, OMIM 604393.

Submission:

Labcorp Genetics (formerly Invitae), Labcorp
Classification: Uncertain significance for Leber congenital amaurosis 4. Last evaluated: 2022-07-12. Review status: criteria provided, single submitter. Criteria: Invitae Variant Classification Sherloc (09022015). Collection method: clinical testing. Allele origin: germline.
Comment: In summary, the available evidence is currently insufficient to determine the role of this variant in disease. Therefore, it has been classified as a Variant of Uncertain Significance. Algorithms developed to predict the effect of missense changes on protein structure and function are either unavailable or do not agree on the potential impact of this missense change (SIFT: "Tolerated"; PolyPhen-2: "Possibly Damaging"; Align-GVGD: "Class C0"). ClinVar contains an entry for this variant (Variation ID: 1008987). This variant has not been reported in the literature in individuals affected with AIPL1-related conditions. This variant is not present in population databases (gnomAD no frequency). This sequence change replaces glutamic acid, which is acidic and polar, with glutamine, which is neutral and polar, at codon 244 of the AIPL1 protein (p.Glu244Gln).

NM_014336.5(AIPL1):c.730G>C (p.Glu244Gln)

Gene: AIPL1 (AIP like 1 HSP90 co-chaperone; minus strand). Cytogenetic location: 17p13.2.
Variant type: single nucleotide variant.
Coding change: c.730G>C on transcript NM_014336.5 (MANE Select); coding-DNA position 730, G replaced by C.
Protein change: p.Glu244Gln; replaces glutamic acid 244 with glutamine.
Molecular consequence: missense variant.
Genome position (GRCh38, 1-based): chr17:6,426,669, C>G on the plus strand (G>C on the coding strand, the complement: AIPL1 is on the minus strand). VCF-style: chr17-6426669-C-G. GRCh37 (hg19) VCF-style: chr17-6329989-C-G.
Other names: c.541G>C, p.Glu181Gln (NM_001033054.3); c.550G>C, p.Glu184Gln (NM_001033055.3); c.694G>C, p.Glu232Gln (NM_001285399.3); c.664G>C, p.Glu222Gln (NM_001285400.3); c.658G>C, p.Glu220Gln (NM_001285401.3); c.613G>C, p.Glu205Gln (NM_001285402.2); c.706G>C, p.Glu236Gln (NM_001285403.4); short protein forms E181Q, E184Q, E205Q, E220Q, E222Q, E232Q, E236Q, E244Q.
Identifiers: ClinVar variation 1008987 (VCV001008987.8), dbSNP rs776498118, ClinGen allele CA397395113.
Genomic context (GRCh38, chr17:6,426,669, plus strand): 5'-GCGCACCTGGGTGGTGCCGGAGAATATCACTGGTGTGCTCCAGCACCTCATAGTACTCCT[C>G]CTTCTTCAGCAGGCACTGGCAGTAGTTGAGGATCAGAGTATTGATCATCTTCTCCAGCTT-3'
Protein context (NP_055151.3, residues 234-254): LNYCQCLLKK[Glu244Gln]EYYEVLEHTS